The following is an entry in ClinVar:

NM_005732.4(RAD50):c.552-7T>G

Gene: RAD50 (RAD50 double strand break repair protein; plus strand). Cytogenetic location: 5q31.1.
Variant type: single nucleotide variant.
Coding change: c.552-7T>G on transcript NM_005732.4 (MANE Select); 7 bases into the intron before coding-DNA position 552, T replaced by G.
Molecular consequence: intron variant.
Genome position (GRCh38, 1-based): chr5:132,579,855, T>G. VCF-style: chr5-132579855-T-G. GRCh37 (hg19) VCF-style: chr5-131915547-T-G.
Identifiers: ClinVar variation 2863669 (VCV002863669.3), dbSNP rs2479617130, ClinGen allele CA2739275061.

ClinVar aggregate classification (germline): Uncertain significance (1 of 4 stars; one submission).

Conditions:
Hereditary cancer-predisposing syndrome. Also called: Hereditary neoplastic syndrome; Tumor predisposition; Neoplastic Syndromes, Hereditary; Hereditary Cancer Syndrome. Identifiers: Orphanet 140162, MedGen C0027672, MeSH D009386, MONDO:0015356.

Submission:

Labcorp Genetics (formerly Invitae), Labcorp
Classification: Uncertain significance for Hereditary cancer-predisposing syndrome. Last evaluated: 2023-05-12. Review status: criteria provided, single submitter. Criteria: Invitae Variant Classification Sherloc (09022015). Collection method: clinical testing. Allele origin: germline.
Comment: In summary, the available evidence is currently insufficient to determine the role of this variant in disease. Therefore, it has been classified as a Variant of Uncertain Significance. Algorithms developed to predict the effect of sequence changes on RNA splicing suggest that this variant may disrupt the consensus splice site. This variant has not been reported in the literature in individuals affected with RAD50-related conditions. This variant is not present in population databases (gnomAD no frequency). This sequence change falls in intron 4 of the RAD50 gene. It does not directly change the encoded amino acid sequence of the RAD50 protein.